The following is an entry in ClinVar:

ClinVar aggregate classification (germline): Uncertain significance (1 of 4 stars; one submission).

Submission:

Labcorp Genetics (formerly Invitae), Labcorp
Classification: Uncertain significance. Last evaluated: 2024-10-27. Review status: criteria provided, single submitter. Criteria: Invitae Variant Classification Sherloc (09022015). Collection method: clinical testing. Allele origin: germline.
Comment: This sequence change affects the initiator methionine of the ATP13A3 mRNA. The next in-frame methionine is located at codon 17. This variant is not present in population databases (gnomAD no frequency). Disruption of the initiator codon has been observed in individual(s) with pulmonary hypertension (internal data). Experimental studies and prediction algorithms are not available or were not evaluated, and the functional significance of this variant is currently unknown. In summary, the available evidence is currently insufficient to determine the role of this variant in disease. Therefore, it has been classified as a Variant of Uncertain Significance.

NM_001367549.1(ATP13A3):c.1A>G (p.Met1Val)

Gene: ATP13A3 (ATPase 13A3; minus strand). Cytogenetic location: 3q29.
Variant type: single nucleotide variant.
Coding change: c.1A>G on transcript NM_001367549.1 (MANE Select); coding-DNA position 1, A replaced by G.
Protein change: p.Met1Val; changes the start codon (methionine 1).
Molecular consequence: missense variant, initiator codon variant. On other transcripts: non-coding transcript variant (2).
Genome position (GRCh38, 1-based): chr3:194,462,190, T>C on the plus strand (A>G on the coding strand, the complement: ATP13A3 is on the minus strand). VCF-style: chr3-194462190-T-C. GRCh37 (hg19) VCF-style: chr3-194182919-T-C.
Other names: c.1A>G, p.Met1Val (NM_001374836.1, NM_024524.4); short protein forms M1V.
Identifiers: ClinVar variation 3699698 (VCV003699698.2).